The following is an entry in ClinVar:

NM_000122.2(ERCC3):c.847C>T (p.Arg283Cys)

Gene: ERCC3 (ERCC excision repair 3, TFIIH core complex helicase subunit; minus strand). Cytogenetic location: 2q14.3.
Variant type: single nucleotide variant.
Coding change: c.847C>T on transcript NM_000122.2 (MANE Select); coding-DNA position 847, C replaced by T.
Protein change: p.Arg283Cys; replaces arginine 283 with cysteine.
Molecular consequence: missense variant.
Genome position (GRCh38, 1-based): chr2:127,288,840, G>A on the plus strand (C>T on the coding strand, the complement: ERCC3 is on the minus strand). VCF-style: chr2-127288840-G-A. GRCh37 (hg19) VCF-style: chr2-128046416-G-A.
Other names: c.655C>T, p.Arg219Cys (NM_001303416.2, NM_001303418.2); short protein forms R283C, R219C.
Identifiers: ClinVar variation 134128 (VCV000134128.33), dbSNP rs145201970, ClinGen allele CA248735.

ClinVar aggregate classification (germline): Conflicting classifications of pathogenicity. Review status: criteria provided, conflicting classifications (1 of 4 stars). 13 submissions from 13 submitters: Uncertain significance (11); Likely benign (1). 1 of the submissions does not count toward it. Last evaluated 2025-05-01.

Conditions:
Inborn genetic diseases. Identifiers: MedGen C0950123, MeSH D030342.
Trichothiodystrophy 2, photosensitive (TTD2). Identifiers: Orphanet 33364, MedGen C4225344, MONDO:0014615, OMIM 616390.
Xeroderma pigmentosum group B. Also called: XP, GROUP B; XPB/CS; XERODERMA PIGMENTOSUM B/COCKAYNE SYNDROME; ERCC3-Related Xeroderma Pigmentosum. Identifiers: MedGen C0268136, MONDO:0012531, OMIM 610651.
Xeroderma pigmentosum (XP). Identifiers: Orphanet 910, MedGen C0043346, MONDO:0019600.

Allele frequency attached by ClinVar (database versions not stated): 1000 Genomes Project 0.00040; 1000 Genomes Project 30x 0.00062; gnomAD exomes 0.00085 and 0.00163; ExAC 0.00087; TOPMed 0.00135; ESP Exome Variant Server 0.00138; gnomAD 0.00142 and 0.00146.

Submissions (13):

CeGaT Center for Human Genetics Tuebingen
Classification: Uncertain significance. Last evaluated: 2025-05-01. Review status: criteria provided, single submitter. Criteria: CeGaT Center For Human Genetics Tuebingen Variant Classification Criteria Version 2. Collection method: clinical testing. Allele origin: germline. Affected: yes. Observed: 1 variant allele.

GeneDx
Classification: Uncertain significance. Last evaluated: 2025-04-18. Review status: criteria provided, single submitter. Criteria: GeneDx Variant Classification Process June 2021. Collection method: clinical testing. Allele origin: germline. Affected: yes.
Comment: Observed in individuals with melanoma, breast, or prostate cancer (PMID: 30306255, 30414346, 39001544); In silico analysis supports that this missense variant has a deleterious effect on protein structure/function; This variant is associated with the following publications: (PMID: 24728327, 30306255, 30414346, 39001544)

Labcorp Genetics (formerly Invitae), Labcorp
Classification: Uncertain significance. Last evaluated: 2025-01-15. Review status: criteria provided, single submitter. Criteria: Invitae Variant Classification Sherloc (09022015). Collection method: clinical testing. Allele origin: germline.
Comment: This sequence change replaces arginine, which is basic and polar, with cysteine, which is neutral and slightly polar, at codon 283 of the ERCC3 protein (p.Arg283Cys). This variant is present in population databases (rs145201970, gnomAD 0.1%), and has an allele count higher than expected for a pathogenic variant. This missense change has been observed in individual(s) with ERCC3-related conditions (PMID: 28259476, 30414346, 31664448, 32295625). ClinVar contains an entry for this variant (Variation ID: 134128). Invitae Evidence Modeling of protein sequence and biophysical properties (such as structural, functional, and spatial information, amino acid conservation, physicochemical variation, residue mobility, and thermodynamic stability) indicates that this missense variant is expected to disrupt ERCC3 protein function with a positive predictive value of 80%. In summary, the available evidence is currently insufficient to determine the role of this variant in disease. Therefore, it has been classified as a Variant of Uncertain Significance.

Women's Health and Genetics/Laboratory Corporation of America, LabCorp
Classification: Uncertain significance. Last evaluated: 2023-12-14. Review status: criteria provided, single submitter. Criteria: LabCorp Variant Classification Summary - May 2015. Collection method: clinical testing. Allele origin: germline.
Comment: Variant summary: ERCC3 c.847C>T (p.Arg283Cys) results in a non-conservative amino acid change in the encoded protein sequence. Three of five in-silico tools predict a damaging effect of the variant on protein function. The variant allele was found at a frequency of 0.00085 in 251462 control chromosomes (gnomAD). The observed variant frequency is approximately 8-fold of the estimated maximal expected allele frequency for a pathogenic variant in ERCC3 causing Xeroderma Pigmentosum phenotype (0.00011), strongly suggesting that the variant could be benign. c.847C>T has been reported in the literature in individuals as not co-segregating with the melanoma phenotype in two affected members from at least one family (Potjer_2019). It has additionally been reported in individuals affected with breast cancer (Bonache_2018, VanMarke_2020) and prostate cancer (Mateo_2020) as well as an individual from a cohort of healthy controls (n=681) (Bodian_2014). Since the penetrance of Xeroderma Pigmentosum due to this variant appears to be lower than expected, no conclusions can be drawn from these data. To our knowledge, no experimental evidence demonstrating an impact on protein function has been reported. The following publications have been ascertained in the context of this evaluation (PMID: 24728327, 30306255, 31874108, 31664448, 30414346, 32295625). Eight ClinVar submitters have submitted clinical-significance assessments for this variant to ClinVar after 2014. All laboratories classified the variant as uncertain significance. Based on the evidence outlined above, the variant was classified as uncertain significance.

Department of Pathology and Laboratory Medicine, Sinai Health System
Classification: Uncertain significance for Xeroderma pigmentosum group B; Trichothiodystrophy 2, photosensitive. Last evaluated: 2023-02-07. Review status: criteria provided, single submitter. Criteria: ACMG Guidelines, 2015. Collection method: research. Allele origin: germline.

Ambry Genetics
Classification: Likely benign for Inborn genetic diseases. Last evaluated: 2021-11-19. Review status: criteria provided, single submitter. Criteria: Ambry Variant Classification Scheme 2023. Collection method: clinical testing. Allele origin: germline.

Institute for Clinical Genetics, University Hospital TU Dresden, University Hospital TU Dresden
Classification: Uncertain significance. Last evaluated: 2021-11-03. Review status: criteria provided, single submitter. Criteria: ACMG Guidelines, 2015. Collection method: clinical testing. Allele origin: germline.

Sema4
Classification: Uncertain significance for Xeroderma pigmentosum. Last evaluated: 2021-10-28. Review status: criteria provided, single submitter. Criteria: Sema4 Curation Guidelines. Collection method: curation. Allele origin: germline.
Comment: The ERCC3 c.847C>T (p.R283C) variant has been reported in individuals with melanoma, breast and/or ovarian cancer, or prostate cancer (PMID: 30414346, 30306255, 27153395, 28259476). However, it was also found in controls (PMID: 24728327). This variant was observed in 183/129170 chromosomes in the Non-Finnish European population, with no homozygotes, according to the Genome Aggregation Database (PMID: 32461654). The variant has been reported in ClinVar (Variation ID: 134128). Functional studies have not been performed, and in silico predictions of the variant's effect on protein function are inconclusive. The evidence is insufficient to meet ACMG/AMP criteria for classifying the variant as benign or pathogenic. Thus, the clinical significance of this variant is currently uncertain.

Baylor Genetics
Classification: Uncertain significance for Trichothiodystrophy 2, photosensitive. Last evaluated: 2019-10-24. Review status: criteria provided, single submitter. Criteria: ACMG Guidelines, 2015. Collection method: clinical testing. Allele origin: unknown. Affected: yes. Study: CSER-TexasKidsCanSeq.
Comment: This variant was determined to be of uncertain significance according to ACMG Guidelines, 2015 [PMID:25741868].

Fulgent Genetics
Classification: Uncertain significance for Xeroderma pigmentosum group B; Trichothiodystrophy 2, photosensitive. Last evaluated: 2018-10-31. Review status: criteria provided, single submitter. Criteria: ACMG Guidelines, 2015. Collection method: clinical testing. Allele origin: unknown.

Illumina Laboratory Services, Illumina
Classification: Uncertain significance for Xeroderma pigmentosum group B. Last evaluated: 2018-01-12. Review status: criteria provided, single submitter. Criteria: ICSL Variant Classification Criteria 13 December 2019. Collection method: clinical testing. Allele origin: germline.

Genomic Diagnostic Laboratory, Division of Genomic Diagnostics, Children's Hospital of Philadelphia
Classification: Uncertain significance. Last evaluated: 2015-02-13. Review status: criteria provided, single submitter. Criteria: DGD Variant Analysis Guidelines. Collection method: clinical testing. Allele origin: unknown.

ITMI
No classification provided. Condition: AllHighlyPenetrant. Last evaluated: 2013-09-19. Review status: no classification provided. Collection method: reference population. Allele origin: germline. Not counted in ClinVar's aggregate classification.
Comment: Please see associated publication for description of ethnicities

Literature cited by the submitters: PubMed 28259476 (cited by Labcorp Genetics (formerly Invitae), Labcorp and Sema4); PubMed 30414346 (cited by 3 submitters); PubMed 31664448 (cited by Labcorp Genetics (formerly Invitae), Labcorp and Women's Health and Genetics/Laboratory Corporation of America, LabCorp); PubMed 32295625 (cited by Labcorp Genetics (formerly Invitae), Labcorp and Women's Health and Genetics/Laboratory Corporation of America, LabCorp); PubMed 24728327 (cited by 3 submitters); PubMed 30306255 (cited by Women's Health and Genetics/Laboratory Corporation of America, LabCorp and Sema4); PubMed 31874108 (cited by Women's Health and Genetics/Laboratory Corporation of America, LabCorp); PubMed 27153395 (cited by Sema4).